The following is an entry in ClinVar:

NM_001330260.2(SCN8A):c.4419G>A (p.Lys1473=)

Gene: SCN8A (sodium voltage-gated channel alpha subunit 8; plus strand). Cytogenetic location: 12q13.13.
Variant type: single nucleotide variant.
Coding change: c.4419G>A on transcript NM_001330260.2 (MANE Select); coding-DNA position 4419, G replaced by A.
Protein change: p.Lys1473=; no amino-acid change (lysine 1473 retained).
Molecular consequence: synonymous variant.
Genome position (GRCh38, 1-based): chr12:51,789,418, G>A. VCF-style: chr12-51789418-G-A. GRCh37 (hg19) VCF-style: chr12-52183202-G-A.
Other names: c.4296G>A, p.Lys1432= (NM_001177984.3, NM_001369788.1); c.4419G>A, p.Lys1473= (NM_014191.4).
Identifiers: ClinVar variation 2698933 (VCV002698933.3), dbSNP rs2540307130, ClinGen allele CA479795039.

ClinVar aggregate classification (germline): Uncertain significance (1 of 4 stars; one submission).

Conditions:
Early-infantile DEE. Also called: Ohtahara syndrome; Early infantile epileptic encephalopathy with suppression bursts; Early infantile epileptic encephalopathy. Identifiers: Orphanet 1934, MedGen C0393706, MONDO:0800491.

Submission:

Labcorp Genetics (formerly Invitae), Labcorp
Classification: Uncertain significance for Early-infantile DEE. Last evaluated: 2024-01-08. Review status: criteria provided, single submitter. Criteria: Invitae Variant Classification Sherloc (09022015). Collection method: clinical testing. Allele origin: germline.
Comment: This sequence change affects codon 1473 of the SCN8A mRNA. It is a 'silent' change, meaning that it does not change the encoded amino acid sequence of the SCN8A protein. This variant also falls at the last nucleotide of exon 24, which is part of the consensus splice site for this exon. This variant is not present in population databases (gnomAD no frequency). This variant has been observed in individual(s) with clinical features of epileptic encephalopathy (Invitae). Variants that disrupt the consensus splice site are a relatively common cause of aberrant splicing (PMID: 17576681, 9536098). Algorithms developed to predict the effect of sequence changes on RNA splicing suggest that this variant may disrupt the consensus splice site. In summary, the available evidence is currently insufficient to determine the role of this variant in disease. Therefore, it has been classified as a Variant of Uncertain Significance.

Literature cited by the submitters: PubMed 17576681; PubMed 9536098.